The following is an entry in ClinVar:

NM_001256071.3(RNF213):c.14465G>A (p.Arg4822Lys)

Genes: RNF213 (ring finger protein 213; plus strand), RNF213-AS1 (RNF213 antisense RNA 1; minus strand), LOC126862664 (CDK7 strongly-dependent group 2 enhancer GRCh37_chr17:78359110-78360309; plus strand). Cytogenetic location: 17q25.3.
Variant type: single nucleotide variant.
Coding change: c.14465G>A on transcript NM_001256071.3 (MANE Select); coding-DNA position 14465, G replaced by A.
Protein change: p.Arg4822Lys; replaces arginine 4822 with lysine.
Molecular consequence: missense variant.
Genome position (GRCh38, 1-based): chr17:80,385,547, G>A. VCF-style: chr17-80385547-G-A. GRCh37 (hg19) VCF-style: chr17-78359347-G-A.
Other names: c.14612G>A, p.Arg4871Lys (NM_001410195.1, NM_020914.5); short protein forms R4871K, R4822K.
Identifiers: ClinVar variation 5008495 (VCV005008495.1).

ClinVar aggregate classification (germline): Uncertain significance (1 of 4 stars; one submission).

Submission:

GeneDx
Classification: Uncertain significance. Last evaluated: 2026-02-11. Review status: criteria provided, single submitter. Criteria: GeneDx Variant Classification Process June 2021. Collection method: clinical testing. Allele origin: germline.
Comment: Not observed at significant frequency in large population cohorts (gnomAD); In silico analysis suggests that this missense variant does not alter protein structure/function; Has not been previously published as pathogenic or benign to our knowledge